The following is an entry in ClinVar:

ClinVar aggregate classification (germline): Uncertain significance (1 of 4 stars; one submission).

Conditions:
Inborn genetic diseases. Identifiers: MedGen C0950123, MeSH D030342.

Submission:

Ambry Genetics
Classification: Uncertain significance for Inborn genetic diseases. Last evaluated: 2023-08-03. Review status: criteria provided, single submitter. Criteria: Ambry Variant Classification Scheme 2023. Collection method: clinical testing. Allele origin: germline.
Comment: The p.Q856H variant (also known as c.2568G>T), located in coding exon 17 of the MIB1 gene, results from a G to T substitution at nucleotide position 2568. The glutamine at codon 856 is replaced by histidine, an amino acid with highly similar properties. This amino acid position is conserved. In addition, the in silico prediction for this alteration is inconclusive. Since supporting evidence is limited at this time, the clinical significance of this alteration remains unclear.

NM_020774.4(MIB1):c.2568G>T (p.Gln856His)

Gene: MIB1 (MIB E3 ubiquitin protein ligase 1; plus strand). Cytogenetic location: 18q11.2.
Variant type: single nucleotide variant.
Coding change: c.2568G>T on transcript NM_020774.4 (MANE Select); coding-DNA position 2568, G replaced by T.
Protein change: p.Gln856His; replaces glutamine 856 with histidine.
Molecular consequence: missense variant.
Genome position (GRCh38, 1-based): chr18:21,849,370, G>T. VCF-style: chr18-21849370-G-T. GRCh37 (hg19) VCF-style: chr18-19429331-G-T.
Other names: short protein forms Q856H.
Identifiers: ClinVar variation 2625753 (VCV002625753.2), dbSNP rs1241924012, ClinGen allele CA401796465.